The following is an entry in ClinVar:

NM_032341.5(DDI2):c.90C>T (p.Phe30=)

Genes: DDI2 (DDI proteasomal shuttling factor 2; plus strand), LOC129929492 (ATAC-STARR-seq lymphoblastoid silent region 309; plus strand). Cytogenetic location: 1p36.21.
Variant type: single nucleotide variant.
Coding change: c.90C>T on transcript NM_032341.5 (MANE Select); coding-DNA position 90, C replaced by T.
Protein change: p.Phe30=; no amino-acid change (phenylalanine 30 retained).
Molecular consequence: synonymous variant.
Genome position (GRCh38, 1-based): chr1:15,617,760, C>T. VCF-style: chr1-15617760-C-T. GRCh37 (hg19) VCF-style: chr1-15944255-C-T.
Identifiers: ClinVar variation 2638293 (VCV002638293.24), dbSNP rs776279047, ClinGen allele CA615856.

ClinVar aggregate classification (germline): Uncertain significance (1 of 4 stars; one submission).

Allele frequency attached by ClinVar (database versions not stated): gnomAD exomes 0.00003; gnomAD 0.00006; TOPMed 0.00007; ExAC 0.00011.
gnomAD v4.1: 48 of 1,610,006 alleles (0.003%); highest among the groups gnomAD compares: Admixed American, 0.07%; no homozygotes.

Submission:

CeGaT Center for Human Genetics Tuebingen
Classification: Uncertain significance. Last evaluated: 2023-03-01. Review status: criteria provided, single submitter. Criteria: CeGaT Center For Human Genetics Tuebingen Variant Classification Criteria Version 2. Collection method: clinical testing. Allele origin: germline. Affected: yes. Observed: 1 variant allele.
Comment: DDI2: PM2:Supporting, BP4